The following is an entry in ClinVar:

ClinVar aggregate classification (germline): Uncertain significance (1 of 4 stars; one submission).

gnomAD v4.1: 19 of 1,613,970 alleles (0.0012%); highest among the groups gnomAD compares: East Asian, 0.0045%; no homozygotes.

Submission:

GeneDx
Classification: Uncertain significance. Last evaluated: 2024-08-23. Review status: criteria provided, single submitter. Criteria: GeneDx Variant Classification Process June 2021. Collection method: clinical testing. Allele origin: germline. Affected: yes.
Comment: In silico analysis supports that this missense variant has a deleterious effect on protein structure/function; Has not been previously published as pathogenic or benign to our knowledge

NM_001039141.3(TRIOBP):c.7040G>A (p.Arg2347His)

Gene: TRIOBP (TRIO and F-actin binding protein; plus strand). Cytogenetic location: 22q13.1.
Variant type: single nucleotide variant.
Coding change: c.7040G>A on transcript NM_001039141.3 (MANE Select); coding-DNA position 7040, G replaced by A.
Protein change: p.Arg2347His; replaces arginine 2347 with histidine.
Molecular consequence: missense variant.
Genome position (GRCh38, 1-based): chr22:37,772,704, G>A. VCF-style: chr22-37772704-G-A. GRCh37 (hg19) VCF-style: chr22-38168711-G-A.
Other names: c.1901G>A, p.Arg634His (NM_007032.5); short protein forms R2347H, R634H.
Identifiers: ClinVar variation 3764417 (VCV003764417.1).